The following is an entry in ClinVar:

NM_022168.4(IFIH1):c.1439C>A (p.Pro480His)

Gene: IFIH1 (interferon induced with helicase C domain 1; minus strand). Cytogenetic location: 2q24.2.
Variant type: single nucleotide variant.
Coding change: c.1439C>A on transcript NM_022168.4 (MANE Select); coding-DNA position 1439, C replaced by A.
Protein change: p.Pro480His; replaces proline 480 with histidine.
Molecular consequence: missense variant.
Genome position (GRCh38, 1-based): chr2:162,281,413, G>T on the plus strand (C>A on the coding strand, the complement: IFIH1 is on the minus strand). VCF-style: chr2-162281413-G-T. GRCh37 (hg19) VCF-style: chr2-163137923-G-T.
Other names: short protein forms P480H.
Identifiers: ClinVar variation 1420976 (VCV001420976.8), dbSNP rs753401995, ClinGen allele CA1934530.

ClinVar aggregate classification (germline): Uncertain significance (1 of 4 stars; one submission).

Conditions:
Singleton-Merten syndrome 1 (SGMRT1). Also called: Widened medullary cavities of bone, aortic calcification, abnormal dentition, and muscular weakness; Syndrome of widened medullary cavities of the metacarpals and phalanges, aortic calcification and abnormal dentition. Identifiers: Orphanet 85191, MedGen C4225427, MONDO:0024535, OMIM 182250.
Aicardi-Goutieres syndrome 7 (AGS7). Identifiers: Orphanet 51, MedGen C3888244, MONDO:0014367, OMIM 615846.

Allele frequency attached by ClinVar (database versions not stated): gnomAD exomes below 0.00001; TOPMed below 0.00001; ExAC 0.00001.

Submission:

Labcorp Genetics (formerly Invitae), Labcorp
Classification: Uncertain significance for Aicardi-Goutieres syndrome 7; Singleton-Merten syndrome 1. Last evaluated: 2022-06-20. Review status: criteria provided, single submitter. Criteria: Invitae Variant Classification Sherloc (09022015). Collection method: clinical testing. Allele origin: germline.
Comment: Algorithms developed to predict the effect of sequence changes on RNA splicing suggest that this variant may disrupt the consensus splice site. In summary, the available evidence is currently insufficient to determine the role of this variant in disease. Therefore, it has been classified as a Variant of Uncertain Significance. Algorithms developed to predict the effect of missense changes on protein structure and function output the following: SIFT: "Tolerated"; PolyPhen-2: "Benign"; Align-GVGD: "Class C0". The histidine amino acid residue is found in multiple mammalian species, which suggests that this missense change does not adversely affect protein function. This sequence change replaces proline, which is neutral and non-polar, with histidine, which is basic and polar, at codon 480 of the IFIH1 protein (p.Pro480His). This variant is present in population databases (rs753401995, gnomAD 0.0009%). This variant has not been reported in the literature in individuals affected with IFIH1-related conditions.